The following is an entry in ClinVar:

NM_005097.4(LGI1):c.224T>G (p.Val75Gly)

Gene: LGI1 (leucine rich glioma inactivated 1; plus strand). Cytogenetic location: 10q23.33.
Variant type: single nucleotide variant.
Coding change: c.224T>G on transcript NM_005097.4 (MANE Select); coding-DNA position 224, T replaced by G.
Protein change: p.Val75Gly; replaces valine 75 with glycine.
Molecular consequence: missense variant. On other transcripts: non-coding transcript variant (1).
Genome position (GRCh38, 1-based): chr10:93,758,768, T>G. VCF-style: chr10-93758768-T-G. GRCh37 (hg19) VCF-style: chr10-95518525-T-G.
Other names: c.224T>G, p.Val75Gly (NM_001308275.2, NM_001308276.2); short protein forms V75G.
Identifiers: ClinVar variation 4536288 (VCV004536288.2).

ClinVar aggregate classification (germline): Uncertain significance. Review status: criteria provided, multiple submitters, no conflicts (2 of 4 stars). 2 submissions from 2 submitters: Uncertain significance (2). Last evaluated 2025-12-30.

Conditions:
Autosomal dominant epilepsy with auditory features. Identifiers: Orphanet 101046, MedGen C1838062, MONDO:0010898.

Submissions (2):

Labcorp Genetics (formerly Invitae), Labcorp
Classification: Uncertain significance for Autosomal dominant epilepsy with auditory features. Last evaluated: 2025-12-30. Review status: criteria provided, single submitter. Criteria: Invitae Variant Classification Sherloc (09022015). Collection method: clinical testing. Allele origin: germline.
Comment: This sequence change replaces valine, which is neutral and non-polar, with glycine, which is neutral and non-polar, at codon 75 of the LGI1 protein (p.Val75Gly). This variant is not present in population databases (gnomAD no frequency). This variant has not been reported in the literature in individuals affected with LGI1-related conditions. Invitae Evidence Modeling of protein sequence and biophysical properties (such as structural, functional, and spatial information, amino acid conservation, physicochemical variation, residue mobility, and thermodynamic stability) indicates that this missense variant is not expected to disrupt LGI1 protein function with a negative predictive value of 80%. In summary, the available evidence is currently insufficient to determine the role of this variant in disease. Therefore, it has been classified as a Variant of Uncertain Significance.

GeneDx
Classification: Uncertain significance. Last evaluated: 2025-06-04. Review status: criteria provided, single submitter. Criteria: GeneDx Variant Classification Process June 2021. Collection method: clinical testing. Allele origin: germline. Affected: yes.
Comment: Not observed at significant frequency in large population cohorts (gnomAD); In silico analysis supports that this missense variant has a deleterious effect on protein structure/function; Has not been previously published as pathogenic or benign to our knowledge